The following is an entry in ClinVar:

NM_016648.4(LARP7):c.225_226del (p.Ser76fs)

Gene: LARP7 (La ribonucleoprotein 7, transcriptional regulator; plus strand). Cytogenetic location: 4q25.
Variant type: Microsatellite.
Coding change: c.225_226del on transcript NM_016648.4 (MANE Select); coding-DNA positions 225 to 226, 2 bases deleted (GT; older notation c.225_226delGT).
Protein change: p.Ser76fs; shifts the reading frame from serine 76.
Molecular consequence: frameshift variant. On other transcripts: 5 prime UTR variant (2).
Genome position (GRCh38, 1-based): chr4:112,646,373-112,646,374, GT deleted; deleting any 2 consecutive bases within chr4:112,646,370-112,646,374 gives the same sequence; the c. name uses the placement nearest the transcript's 3' end. VCF-style (leftmost placement, unchanged base first): chr4-112646369-TTG-T. GRCh37 (hg19) VCF-style: chr4-113567525-TTG-T.
Other names: p.Ser76PhefsTer2; c.225_226del, p.Ser76fs (NM_001267039.4, NM_001370974.1, NM_001370975.1 and 6 more transcripts); c.-15GT[1] (NM_001370981.1, NM_001370982.1); short protein forms S76fs.
Identifiers: ClinVar variation 1801475 (VCV001801475.5), dbSNP rs2477751871, ClinGen allele CA2580616755.

ClinVar aggregate classification (germline): Pathogenic. Review status: criteria provided, multiple submitters, no conflicts (2 of 4 stars). 2 submissions from 2 submitters: Pathogenic (2). Last evaluated 2024-08-23.

Conditions:
Microcephalic primordial dwarfism, Alazami type. Also called: FACIAL DYSMORPHISM, INTELLECTUAL DISABILITY, AND PRIMORDIAL DWARFISM; Alazami syndrome. Identifiers: Orphanet 319671, MedGen C3554439, MONDO:0014031, OMIM 615071.

Submissions (2):

Labcorp Genetics (formerly Invitae), Labcorp
Classification: Pathogenic. Last evaluated: 2024-08-23. Review status: criteria provided, single submitter. Criteria: Invitae Variant Classification Sherloc (09022015). Collection method: clinical testing. Allele origin: germline.
Comment: This sequence change creates a premature translational stop signal (p.Ser76Phefs*2) in the LARP7 gene. It is expected to result in an absent or disrupted protein product. Loss-of-function variants in LARP7 are known to be pathogenic (PMID: 22865833, 26374271, 26607181). This variant is not present in population databases (gnomAD no frequency). This variant has not been reported in the literature in individuals affected with LARP7-related conditions. For these reasons, this variant has been classified as Pathogenic.

Foundation for Research in Genetics and Endocrinology, FRIGE's Institute of Human Genetics
Classification: Pathogenic for Microcephalic primordial dwarfism, Alazami type. Last evaluated: 2022-09-27. Review status: criteria provided, single submitter. Criteria: ACMG Guidelines, 2015. Collection method: clinical testing. Allele origin: germline. Affected: yes. Observed: 1 heterozygote.
Comment: A Heterozygous frameshift variation in exon 3 of the LARP7 gene . The observed variant ) has not been reported in the 1000 genomes and gnomAD databases. The in silico prediction of the variant are possibly damaging by MutationTaster2. The reference codon is conserved across species. In summary, the variant meets our criteria to be classified as pathogenic.

Literature cited by the submitters: PubMed 22865833 (cited by Labcorp Genetics (formerly Invitae), Labcorp); PubMed 26374271 (cited by Labcorp Genetics (formerly Invitae), Labcorp); PubMed 26607181 (cited by Labcorp Genetics (formerly Invitae), Labcorp).